The following is an entry in ClinVar:

ClinVar aggregate classification (germline): Uncertain significance (1 of 4 stars; one submission).

Submission:

Labcorp Genetics (formerly Invitae), Labcorp
Classification: Uncertain significance. Last evaluated: 2022-05-09. Review status: criteria provided, single submitter. Criteria: Invitae Variant Classification Sherloc (09022015). Collection method: clinical testing. Allele origin: germline.
Comment: This premature translational stop signal has been observed in individual(s) with clinical features of SLC39A4-related disease (Invitae). ClinVar contains an entry for this variant (Variation ID: 836460). Experimental studies and prediction algorithms are not available or were not evaluated, and the functional significance of this variant is currently unknown. This variant disrupts the C-terminus of the SLC39A14 protein. Other variant(s) that disrupt this region (p.Asn469Lys) have been observed in individuals with SLC39A14-related conditions (PMID: 27231142). This suggests that this may be a clinically significant region of the protein. In summary, the available evidence is currently insufficient to determine the role of this variant in disease. Therefore, it has been classified as a Variant of Uncertain Significance. This variant is not present in population databases (gnomAD no frequency). This sequence change creates a premature translational stop signal (p.Phe385Cysfs*58) in the SLC39A14 gene. While this is not anticipated to result in nonsense mediated decay, it is expected to disrupt the last 108 amino acid(s) of the SLC39A14 protein.

Literature cited by the submitters: PubMed 27231142.

NM_001128431.4(SLC39A14):c.1154_1155del (p.Phe385fs)

Gene: SLC39A14 (solute carrier family 39 member 14; plus strand). Cytogenetic location: 8p21.3.
Variant type: Deletion.
Coding change: c.1154_1155del on transcript NM_001128431.4 (MANE Select); coding-DNA positions 1154 to 1155, 2 bases deleted (TT; older notation c.1154_1155delTT).
Protein change: p.Phe385fs; shifts the reading frame from phenylalanine 385.
Molecular consequence: frameshift variant.
Genome position (GRCh38, 1-based): chr8:22,417,657-22,417,658, TT deleted; deleting any 2 consecutive bases within chr8:22,417,656-22,417,658 gives the same sequence; the c. name uses the placement nearest the transcript's 3' end. VCF-style (leftmost placement, unchanged base first): chr8-22417655-CTT-C. GRCh37 (hg19) VCF-style: chr8-22275168-CTT-C.
Other names: c.1154_1155del, p.Phe385fs (NM_001135153.3, NM_001135154.3, NM_001351655.2 and 3 more transcripts); c.1184_1185del, p.Phe395fs (NM_001351657.2, NM_001351658.2, NM_001351659.2); short protein forms F385fs, F395fs.
Identifiers: ClinVar variation 836460 (VCV000836460.6), dbSNP rs1835968030, ClinGen allele CA916082978.
Genomic context (GRCh38, chr8:22,417,655, plus strand): 5'-ATGCCCATCTTACTCTTCCTTCCTCGTCCCTCCCCTTTTCATTCTCGCTGCTGTAGGAGA[CTT>C]TGTCATCCTGCTCAACGCTGGGATGAGCATCCAACAAGCTCTCTTCTTCAACTTCCTTTC-3'